The following is an entry in ClinVar:

ClinVar aggregate classification (germline): Uncertain significance (1 of 4 stars; one submission).

gnomAD v4.1: 3 of 1,613,738 alleles (0.00019%); highest among the groups gnomAD compares: South Asian, 0.0011%; no homozygotes.

Submission:

GeneDx
Classification: Uncertain significance. Last evaluated: 2024-12-14. Review status: criteria provided, single submitter. Criteria: GeneDx Variant Classification Process June 2021. Collection method: clinical testing. Allele origin: germline. Affected: yes.
Comment: Not observed at significant frequency in large population cohorts (gnomAD); In silico analysis supports that this missense variant has a deleterious effect on protein structure/function; Has not been previously published as pathogenic or benign to our knowledge

NM_002742.3(PRKD1):c.292T>C (p.Tyr98His)

Gene: PRKD1 (protein kinase D1; minus strand). Cytogenetic location: 14q12.
Variant type: single nucleotide variant.
Coding change: c.292T>C on transcript NM_002742.3 (MANE Select); coding-DNA position 292, T replaced by C.
Protein change: p.Tyr98His; replaces tyrosine 98 with histidine.
Molecular consequence: missense variant.
Genome position (GRCh38, 1-based): chr14:29,725,647, A>G on the plus strand (T>C on the coding strand, the complement: PRKD1 is on the minus strand). VCF-style: chr14-29725647-A-G. GRCh37 (hg19) VCF-style: chr14-30194853-A-G.
Other names: c.292T>C, p.Tyr98His (NM_001330069.2); c.4T>C, p.Tyr2His (NM_001348390.1); short protein forms Y2H, Y98H.
Identifiers: ClinVar variation 3906550 (VCV003906550.1).
Genomic context (GRCh38, chr14:29,725,647, plus strand): 5'-TCACCAGCTGAAGGATGTTTTCAGAGGTAGGGTCATGGCGAAAAAGCAGGATCTTATCAT[A>G]CATTCCGTAGAAACCACATTCAGGGAACTGCAAATACAAATACCATGAGAGTGTAAATGT-3'
Protein context (NP_002733.2, residues 88-108): KFPECGFYGM[Tyr98His]DKILLFRHDP